The following is an entry in ClinVar:

ClinVar aggregate classification (germline): Likely benign (1 of 4 stars; one submission).

Allele frequency attached by ClinVar (database versions not stated): gnomAD 0.00014; 1000 Genomes Project 30x 0.00016; 1000 Genomes Project 0.00020; ESP Exome Variant Server 0.00024.
gnomAD v4.1: 303 of 1,588,284 alleles (0.019%); highest among the groups gnomAD compares: South Asian, 0.045%; 25 homozygotes.

Submission:

CeGaT Center for Human Genetics Tuebingen
Classification: Likely benign. Last evaluated: 2023-09-01. Review status: criteria provided, single submitter. Criteria: CeGaT Center For Human Genetics Tuebingen Variant Classification Criteria Version 2. Collection method: clinical testing. Allele origin: germline. Affected: yes. Observed: 1 variant allele.
Comment: DMBT1: BS2

NM_001377530.1(DMBT1):c.2339C>T (p.Thr780Met)

Gene: DMBT1 (deleted in malignant brain tumors 1; plus strand). Cytogenetic location: 10q26.13.
Variant type: single nucleotide variant.
Coding change: c.2339C>T on transcript NM_001377530.1 (MANE Select); coding-DNA position 2339, C replaced by T.
Protein change: p.Thr780Met; replaces threonine 780 with methionine.
Molecular consequence: missense variant. On other transcripts: intron variant (1).
Genome position (GRCh38, 1-based): chr10:122,592,434, C>T. VCF-style: chr10-122592434-C-T. GRCh37 (hg19) VCF-style: chr10-124351950-C-T.
Other names: c.2339C>T, p.Thr780Met (NM_001320644.2, NM_007329.3); c.2309C>T, p.Thr770Met (NM_017579.3); c.1421-5540C>T (NM_004406.3); short protein forms T770M, T780M.
Identifiers: ClinVar variation 2640933 (VCV002640933.24), dbSNP rs199704744, ClinGen allele CA5727135.